The following is an entry in ClinVar:

ClinVar aggregate classification (germline): Benign. Review status: criteria provided, multiple submitters, no conflicts (2 of 4 stars). 6 submissions from 2 submitters: Benign (6). Last evaluated 2018-06-30.

Conditions:
Beare-Stevenson cutis gyrata syndrome (BSTVS). Identifiers: Orphanet 1555, MedGen C1852406, MONDO:0007412, OMIM 123790.
Isolated Coronal Synostosis. Identifiers: MedGen CN043619.
Saethre-Chotzen syndrome (SCS). Also called: ACROCEPHALY, SKULL ASYMMETRY, AND MILD SYNDACTYLY; ACS III; CHOTZEN SYNDROME. Identifiers: Orphanet 794, MedGen C0175699, MONDO:0007042, OMIM 101400.
Craniosynostosis syndrome. Also called: Craniosynostosis. Identifiers: Orphanet 1531, MedGen C0010278, MeSH D003398, MONDO:0015469, HP:0001363.
Crouzon syndrome. Also called: CRANIOFACIAL DYSOSTOSIS, TYPE I; Craniofacial dysostosis; Craniofacial dysostosis type 1; Crouzon craniofacial dysostosis; Crouzon disease. Identifiers: Orphanet 207, MedGen C0010273, MeSH D003394, MONDO:0007405, OMIM 123500, HP:0004439.

Allele frequency attached by ClinVar (database versions not stated): gnomAD exomes 0.00288; gnomAD 0.01693 and 0.01826; TOPMed 0.01931; 1000 Genomes Project 0.01957; 1000 Genomes Project 30x 0.02046.
gnomAD v4.1: 3,107 of 321,580 alleles (0.97%); highest among the groups gnomAD compares: African/African-American, 5.6%; 71 homozygotes.

Submissions (6):

GeneDx
Classification: Benign. Last evaluated: 2018-06-30. Review status: criteria provided, single submitter. Criteria: GeneDx Variant Classification Process June 2021. Collection method: clinical testing. Allele origin: germline. Affected: yes.

Illumina Laboratory Services, Illumina
Classification: Benign for Beare-Stevenson cutis gyrata syndrome. Last evaluated: 2018-01-13. Review status: criteria provided, single submitter. Criteria: ICSL Variant Classification Criteria 13 December 2019. Collection method: clinical testing. Allele origin: germline.
Comment: This variant was observed in the ICSL laboratory as part of a predisposition screen in an ostensibly healthy population. It had not been previously curated by ICSL or reported in the Human Gene Mutation Database (HGMD: prior to June 1st, 2018), and was therefore a candidate for classification through an automated scoring system. Utilizing variant allele frequency, disease prevalence and penetrance estimates, and inheritance mode, an automated score was calculated to assess if this variant is too frequent to cause the disease. Based on the score and internal cut-off values, a variant classified as benign is not then subjected to further curation. The score for this variant resulted in a classification of benign for this disease.

Illumina Laboratory Services, Illumina
Classification: Benign for Craniosynostosis. Last evaluated: 2018-01-13. Review status: criteria provided, single submitter. Criteria: ICSL Variant Classification Criteria 13 December 2019. Collection method: clinical testing. Allele origin: germline.
Comment: the same text as in the submission from Illumina Laboratory Services, Illumina above.

Illumina Laboratory Services, Illumina
Classification: Benign for Crouzon syndrome. Last evaluated: 2018-01-13. Review status: criteria provided, single submitter. Criteria: ICSL Variant Classification Criteria 13 December 2019. Collection method: clinical testing. Allele origin: germline.
Comment: the same text as in the submission from Illumina Laboratory Services, Illumina above.

Illumina Laboratory Services, Illumina
Classification: Benign for Saethre-Chotzen syndrome. Last evaluated: 2018-01-13. Review status: criteria provided, single submitter. Criteria: ICSL Variant Classification Criteria 13 December 2019. Collection method: clinical testing. Allele origin: germline.
Comment: the same text as in the submission from Illumina Laboratory Services, Illumina above.

Illumina Laboratory Services, Illumina
Classification: Benign for Isolated coronal synostosis. Last evaluated: 2018-01-13. Review status: criteria provided, single submitter. Criteria: ICSL Variant Classification Criteria 13 December 2019. Collection method: clinical testing. Allele origin: germline.
Comment: the same text as in the submission from Illumina Laboratory Services, Illumina above.

NM_000141.5(FGFR2):c.*469G>A

Gene: FGFR2 (fibroblast growth factor receptor 2; minus strand). Cytogenetic location: 10q26.13.
Variant type: single nucleotide variant.
Coding change: c.*469G>A on transcript NM_000141.5 (MANE Select); 469 bases downstream of the stop codon, G replaced by A.
Molecular consequence: 3 prime UTR variant. On other transcripts: non-coding transcript variant (1).
Genome position (GRCh38, 1-based): chr10:121,479,388, C>T on the plus strand (G>A on the coding strand, the complement: FGFR2 is on the minus strand). VCF-style: chr10-121479388-C-T. GRCh37 (hg19) VCF-style: chr10-123238902-C-T.
Other names: c.*469G>A (NM_001320654.2, NM_001320658.2, NM_022970.4 and 5 more transcripts); c.*193G>A (NM_001144915.2).
Identifiers: ClinVar variation 298988 (VCV000298988.7), dbSNP rs41294351, ClinGen allele CA10628107.